The following is an entry in ClinVar:

NM_004171.4(SLC1A2):c.1513G>T (p.Asp505Tyr)

Gene: SLC1A2 (solute carrier family 1 member 2; minus strand). Cytogenetic location: 11p13.
Variant type: single nucleotide variant.
Coding change: c.1513G>T on transcript NM_004171.4 (MANE Select); coding-DNA position 1513, G replaced by T.
Protein change: p.Asp505Tyr; replaces aspartic acid 505 with tyrosine.
Molecular consequence: missense variant.
Genome position (GRCh38, 1-based): chr11:35,265,667, C>A on the plus strand (G>T on the coding strand, the complement: SLC1A2 is on the minus strand). VCF-style: chr11-35265667-C-A. GRCh37 (hg19) VCF-style: chr11-35287214-C-A.
Other names: c.1486G>T, p.Asp496Tyr (NM_001195728.3, NM_001252652.2); short protein forms D496Y, D505Y.
Identifiers: ClinVar variation 4072469 (VCV004072469.1).

ClinVar aggregate classification (germline): Uncertain significance (1 of 4 stars; one submission).

gnomAD v4.1: 1 of 1,613,546 alleles (0.000062%); highest among the groups gnomAD compares: African/African-American, 0.0013%; no homozygotes.

Submission:

GeneDx
Classification: Uncertain significance. Last evaluated: 2025-01-30. Review status: criteria provided, single submitter. Criteria: GeneDx Variant Classification Process June 2021. Collection method: clinical testing. Allele origin: germline. Affected: yes.
Comment: In silico analysis supports that this missense variant has a deleterious effect on protein structure/function; Has not been previously published as pathogenic or benign to our knowledge; Not observed at significant frequency in large population cohorts (gnomAD)